The following is an entry in ClinVar:

ClinVar aggregate classification (germline): Uncertain significance (1 of 4 stars; one submission).

gnomAD v4.1: 4 of 1,613,872 alleles (0.00025%); highest among the groups gnomAD compares: African/African-American, 0.004%; no homozygotes.

Submission:

Labcorp Genetics (formerly Invitae), Labcorp
Classification: Uncertain significance. Last evaluated: 2024-08-09. Review status: criteria provided, single submitter. Criteria: Invitae Variant Classification Sherloc (09022015). Collection method: clinical testing. Allele origin: germline.
Comment: This sequence change replaces lysine, which is basic and polar, with asparagine, which is neutral and polar, at codon 1211 of the ALPK1 protein (p.Lys1211Asn). This variant is present in population databases (no rsID available, gnomAD 0.007%). This variant has not been reported in the literature in individuals affected with ALPK1-related conditions. An algorithm developed to predict the effect of missense changes on protein structure and function (PolyPhen-2) suggests that this variant is likely to be disruptive. In summary, the available evidence is currently insufficient to determine the role of this variant in disease. Therefore, it has been classified as a Variant of Uncertain Significance.

NM_025144.4(ALPK1):c.3633G>C (p.Lys1211Asn)

Gene: ALPK1 (alpha kinase 1; plus strand). Cytogenetic location: 4q25.
Variant type: single nucleotide variant.
Coding change: c.3633G>C on transcript NM_025144.4 (MANE Select); coding-DNA position 3633, G replaced by C.
Protein change: p.Lys1211Asn; replaces lysine 1211 with asparagine.
Molecular consequence: missense variant.
Genome position (GRCh38, 1-based): chr4:112,441,011, G>C. VCF-style: chr4-112441011-G-C. GRCh37 (hg19) VCF-style: chr4-113362167-G-C.
Other names: c.3633G>C, p.Lys1211Asn (NM_001102406.2); c.3399G>C, p.Lys1133Asn (NM_001253884.2); short protein forms K1133N, K1211N.
Identifiers: ClinVar variation 3618747 (VCV003618747.2).